The following is an entry in ClinVar:

NM_005228.5(EGFR):c.1766C>T (p.Pro589Leu)

Gene: EGFR (epidermal growth factor receptor; plus strand). Cytogenetic location: 7p11.2.
Variant type: single nucleotide variant.
Coding change: c.1766C>T on transcript NM_005228.5 (MANE Select); coding-DNA position 1766, C replaced by T.
Protein change: p.Pro589Leu; replaces proline 589 with leucine.
Molecular consequence: missense variant.
Genome position (GRCh38, 1-based): chr7:55,165,323, C>T. VCF-style: chr7-55165323-C-T. GRCh37 (hg19) VCF-style: chr7-55233016-C-T.
Other names: c.1631C>T, p.Pro544Leu (NM_001346897.2, NM_001346899.2); c.1766C>T, p.Pro589Leu (NM_001346898.2, NM_201282.2, NM_201284.2); c.1607C>T, p.Pro536Leu (NM_001346900.2); c.965C>T, p.Pro322Leu (NM_001346941.2); short protein forms P544L, P589L, P322L, P536L.
Identifiers: ClinVar variation 958623 (VCV000958623.10), dbSNP rs751570775, ClinGen allele CA367580740.

ClinVar aggregate classification (germline): Conflicting classifications of pathogenicity. Review status: criteria provided, conflicting classifications (1 of 4 stars). 2 submissions from 2 submitters: Uncertain significance (1); Likely benign (1). Last evaluated 2026-01-19.

Conditions:
Hereditary cancer-predisposing syndrome. Also called: Tumor predisposition; Hereditary neoplastic syndrome; Neoplastic Syndromes, Hereditary; Hereditary Cancer Syndrome. Identifiers: Orphanet 140162, MedGen C0027672, MeSH D009386, MONDO:0015356.
EGFR-related lung cancer (EGFR). Identifiers: MedGen CN130014.

Allele frequency attached by ClinVar (database versions not stated): TOPMed 0.00002.
gnomAD v4.1: 3 of 1,614,050 alleles (0.00019%); highest among the groups gnomAD compares: Non-Finnish European, 0.00025%; no homozygotes.

Submissions (2):

Labcorp Genetics (formerly Invitae), Labcorp
Classification: Uncertain significance for EGFR-related lung cancer. Last evaluated: 2026-01-19. Review status: criteria provided, single submitter. Criteria: Invitae Variant Classification Sherloc (09022015). Collection method: clinical testing. Allele origin: germline.
Comment: This sequence change replaces proline, which is neutral and non-polar, with leucine, which is neutral and non-polar, at codon 589 of the EGFR protein (p.Pro589Leu). This variant is present in population databases (no rsID available, gnomAD 0.0009%). This variant has not been reported in the literature in individuals affected with EGFR-related conditions. ClinVar contains an entry for this variant (Variation ID: 958623). Invitae Evidence Modeling of protein sequence and biophysical properties (such as structural, functional, and spatial information, amino acid conservation, physicochemical variation, residue mobility, and thermodynamic stability) indicates that this missense variant is not expected to disrupt EGFR protein function with a negative predictive value of 80%. In summary, the available evidence is currently insufficient to determine the role of this variant in disease. Therefore, it has been classified as a Variant of Uncertain Significance.

Ambry Genetics
Classification: Likely benign for Hereditary cancer-predisposing syndrome. Last evaluated: 2025-04-16. Review status: criteria provided, single submitter. Criteria: Ambry Variant Classification Scheme 2023. Collection method: clinical testing. Allele origin: germline.